The following is an entry in ClinVar:

NM_004004.6(GJB2):c.145del (p.Ala49fs)

Gene: GJB2 (gap junction protein beta 2; minus strand). Cytogenetic location: 13q12.11.
Variant type: Deletion.
Coding change: c.145del on transcript NM_004004.6 (MANE Select); coding-DNA position 145, one base deleted (G; older notation c.145delG).
Protein change: p.Ala49fs; shifts the reading frame from alanine 49.
Molecular consequence: frameshift variant.
Genome position (GRCh38, 1-based): chr13:20,189,437, C deleted on the plus strand (G on the coding strand, the reverse complement: GJB2 is on the minus strand); the first of 2 consecutive C bases (chr13:20,189,437-20,189,438); deleting either gives the same sequence. VCF-style (leftmost placement, unchanged base first): chr13-20189436-GC-G. GRCh37 (hg19) VCF-style: chr13-20763575-GC-G.
Other names: short protein forms A49fs.
Identifiers: ClinVar variation 1997743 (VCV001997743.4), dbSNP rs2500252717, ClinGen allele CA2575364823.

ClinVar aggregate classification (germline): Pathogenic (1 of 4 stars; one submission).

Submission:

Labcorp Genetics (formerly Invitae), Labcorp
Classification: Pathogenic. Last evaluated: 2022-05-29. Review status: criteria provided, single submitter. Criteria: Invitae Variant Classification Sherloc (09022015). Collection method: clinical testing. Allele origin: germline.
Comment: This variant disrupts a region of the GJB2 protein in which other variant(s) (p.Leu213*) have been determined to be pathogenic (PMID: 23141775). This suggests that this is a clinically significant region of the protein, and that variants that disrupt it are likely to be disease-causing. This sequence change creates a premature translational stop signal (p.Ala49Profs*33) in the GJB2 gene. While this is not anticipated to result in nonsense mediated decay, it is expected to disrupt the last 178 amino acid(s) of the GJB2 protein. This variant is not present in population databases (gnomAD no frequency). This variant has not been reported in the literature in individuals affected with GJB2-related conditions. For these reasons, this variant has been classified as Pathogenic.

Literature cited by the submitters: PubMed 23141775.